The following is an entry in ClinVar:

ClinVar aggregate classification (germline): Uncertain significance. Review status: criteria provided, multiple submitters, no conflicts (2 of 4 stars). 3 submissions from 3 submitters: Uncertain significance (3). Last evaluated 2025-02-07.

Conditions:
Combined immunodeficiency due to STK4 deficiency (IMD110). Also called: STK4 DEFICIENCY; MST1 DEFICIENCY; T-cell immunodeficiency, recurrent infections, and autoimmunity with or without cardiac malformations. Identifiers: Orphanet 314689, MedGen C3553943, MONDO:0013934, OMIM 614868.
Inborn genetic diseases. Identifiers: MedGen C0950123, MeSH D030342.

Allele frequency attached by ClinVar (database versions not stated): gnomAD exomes below 0.00001; ExAC 0.00001; gnomAD 0.00003 and 0.00004; TOPMed 0.00005.
gnomAD v4.1: 15 of 1,603,508 alleles (0.00094%); highest among the groups gnomAD compares: African/African-American, 0.0081%; 1 homozygote.

Submissions (3):

Ambry Genetics
Classification: Uncertain significance for Inborn genetic diseases. Last evaluated: 2025-02-07. Review status: criteria provided, single submitter. Criteria: Ambry Variant Classification Scheme 2023. Collection method: clinical testing. Allele origin: germline.

Labcorp Genetics (formerly Invitae), Labcorp
Classification: Uncertain significance for Combined immunodeficiency due to STK4 deficiency. Last evaluated: 2024-08-09. Review status: criteria provided, single submitter. Criteria: Invitae Variant Classification Sherloc (09022015). Collection method: clinical testing. Allele origin: germline.
Comment: This sequence change replaces serine, which is neutral and polar, with alanine, which is neutral and non-polar, at codon 132 of the STK4 protein (p.Ser132Ala). This variant is present in population databases (rs751537507, gnomAD 0.008%). This variant has not been reported in the literature in individuals affected with STK4-related conditions. ClinVar contains an entry for this variant (Variation ID: 1418456). Advanced modeling of protein sequence and biophysical properties (such as structural, functional, and spatial information, amino acid conservation, physicochemical variation, residue mobility, and thermodynamic stability) performed at Invitae indicates that this missense variant is not expected to disrupt STK4 protein function with a negative predictive value of 95%. In summary, the available evidence is currently insufficient to determine the role of this variant in disease. Therefore, it has been classified as a Variant of Uncertain Significance.

Blueprint Genetics
Classification: Uncertain significance. Last evaluated: 2023-03-29. Review status: criteria provided, single submitter. Criteria: ACMG Guidelines, 2015. Collection method: clinical testing. Allele origin: germline.

NM_006282.5(STK4):c.394T>G (p.Ser132Ala)

Gene: STK4 (serine/threonine kinase 4; plus strand). Cytogenetic location: 20q13.12.
Variant type: single nucleotide variant.
Coding change: c.394T>G on transcript NM_006282.5 (MANE Select); coding-DNA position 394, T replaced by G.
Protein change: p.Ser132Ala; replaces serine 132 with alanine.
Molecular consequence: missense variant.
Genome position (GRCh38, 1-based): chr20:44,987,165, T>G. VCF-style: chr20-44987165-T-G. GRCh37 (hg19) VCF-style: chr20-43615806-T-G.
Other names: c.394T>G, p.Ser132Ala (NM_001352385.2); c.394T>G (NM_006282.2); short protein forms S132A.
Identifiers: ClinVar variation 1418456 (VCV001418456.7), dbSNP rs751537507, ClinGen allele CA9873800.